The following is an entry in ClinVar:

ClinVar aggregate classification (germline): Pathogenic/Likely pathogenic. Review status: criteria provided, multiple submitters, no conflicts (2 of 4 stars). 2 submissions from 2 submitters: Pathogenic (1); Likely pathogenic (1). Last evaluated 2025-07-28.

Conditions:
Glucose-6-phosphate transport defect (GSD1B). Also called: Glycogen Storage Disease Type Ib; GSD Ib. Identifiers: Orphanet 364, Orphanet 79259, MedGen C0268146, MONDO:0009288, OMIM 232220.

Submissions (2):

Natera, Inc.
Classification: Likely pathogenic for Glycogen storage disease type Ib. Last evaluated: 2025-07-28. Review status: criteria provided, single submitter. Criteria: Natera Variant Classification Schema (03/2026). Collection method: clinical testing. Allele origin: germline.
Comment: The c.484_485delAG variant in SLC37A4 is a frameshift variant predicted to shift the reading frame beginning at codon 162 and leads to a stop codon 28 codons downstream. This variant is expected to result in nonsense mediated decay, truncation, or a dysfunctional protein product. This variant is rare in the general population with a frequency below the threshold expected for the associated phenotype(s). Given the available evidence, this variant is classified as Likely Pathogenic.

Baylor Genetics
Classification: Pathogenic for Glucose-6-phosphate transport defect. Last evaluated: 2023-10-20. Review status: criteria provided, single submitter. Criteria: ACMG Guidelines, 2015. Collection method: clinical testing. Allele origin: unknown.

NM_001164277.2(SLC37A4):c.484_485del (p.Ser162fs)

Gene: SLC37A4 (solute carrier family 37 member 4; minus strand). Cytogenetic location: 11q23.3.
Variant type: Microsatellite.
Coding change: c.484_485del on transcript NM_001164277.2 (MANE Select); coding-DNA positions 484 to 485, 2 bases deleted (AG; older notation c.484_485delAG).
Protein change: p.Ser162fs; shifts the reading frame from serine 162.
Molecular consequence: frameshift variant.
Genome position (GRCh38, 1-based): chr11:119,027,769-119,027,770, CT deleted on the plus strand (AG on the coding strand, the reverse complement: SLC37A4 is on the minus strand); deleting any 2 consecutive bases within chr11:119,027,769-119,027,772 gives the same sequence; the c. name uses the placement nearest the transcript's 3' end. VCF-style (leftmost placement, unchanged base first): chr11-119027768-GCT-G. GRCh37 (hg19) VCF-style: chr11-118898478-GCT-G.
Other names: c.484_485del, p.Ser162fs (NM_001164278.2, NM_001164280.2, NM_001467.6); c.265_266del, p.Ser89fs (NM_001164279.2); c.484_485delAG (NM_001164277.1); short protein forms S162fs, S89fs.
Identifiers: ClinVar variation 2678945 (VCV002678945.2), dbSNP rs1194259722, ClinGen allele CA602577673.